The following is an entry in ClinVar:

NM_024408.4(NOTCH2):c.4578G>T (p.Glu1526Asp)

Gene: NOTCH2 (notch receptor 2; minus strand). Cytogenetic location: 1p12.
Variant type: single nucleotide variant.
Coding change: c.4578G>T on transcript NM_024408.4 (MANE Select); coding-DNA position 4578, G replaced by T.
Protein change: p.Glu1526Asp; replaces glutamic acid 1526 with aspartic acid.
Molecular consequence: missense variant.
Genome position (GRCh38, 1-based): chr1:119,923,918, C>A on the plus strand (G>T on the coding strand, the complement: NOTCH2 is on the minus strand). VCF-style: chr1-119923918-C-A. GRCh37 (hg19) VCF-style: chr1-120466541-C-A.
Other names: c.4578G>T (NM_024408.3); short protein forms E1526D.
Identifiers: ClinVar variation 1962215 (VCV001962215.6), dbSNP rs769513920, ClinGen allele CA1039830.

ClinVar aggregate classification (germline): Uncertain significance. Review status: criteria provided, multiple submitters, no conflicts (2 of 4 stars). 2 submissions from 2 submitters: Uncertain significance (2). Last evaluated 2023-12-15.

Conditions:
Inborn genetic diseases. Identifiers: MedGen C0950123, MeSH D030342.
Hajdu-Cheney syndrome (HJCYS). Also called: SERPENTINE FIBULA-POLYCYSTIC KIDNEY SYNDROME; Acroosteolysis dominant type; ACROOSTEOLYSIS WITH OSTEOPOROSIS AND CHANGES IN SKULL AND MANDIBLE. Identifiers: Orphanet 955, MedGen C0917715, MONDO:0007057, OMIM 102500.

Allele frequency attached by ClinVar (database versions not stated): ExAC 0.00001.
gnomAD v4.1: 2 of 1,614,212 alleles (0.00012%); highest among the groups gnomAD compares: South Asian, 0.0011%; no homozygotes.

Submissions (2):

Ambry Genetics
Classification: Uncertain significance for Inborn genetic diseases. Last evaluated: 2023-12-15. Review status: criteria provided, single submitter. Criteria: Ambry Variant Classification Scheme 2023. Collection method: clinical testing. Allele origin: germline.

Labcorp Genetics (formerly Invitae), Labcorp
Classification: Uncertain significance for Hajdu-Cheney syndrome. Last evaluated: 2022-01-01. Review status: criteria provided, single submitter. Criteria: Invitae Variant Classification Sherloc (09022015). Collection method: clinical testing. Allele origin: germline.
Comment: This sequence change replaces glutamic acid, which is acidic and polar, with aspartic acid, which is acidic and polar, at codon 1526 of the NOTCH2 protein (p.Glu1526Asp). This variant is present in population databases (rs769513920, gnomAD 0.003%). In summary, the available evidence is currently insufficient to determine the role of this variant in disease. Therefore, it has been classified as a Variant of Uncertain Significance. Algorithms developed to predict the effect of missense changes on protein structure and function (SIFT, PolyPhen-2, Align-GVGD) all suggest that this variant is likely to be disruptive. This variant has not been reported in the literature in individuals affected with NOTCH2-related conditions.